The following is an entry in ClinVar:

ClinVar aggregate classification (germline): Uncertain significance. Review status: criteria provided, multiple submitters, no conflicts (2 of 4 stars). 2 submissions from 2 submitters: Uncertain significance (2). Last evaluated 2024-06-04.

Submissions (2):

Labcorp Genetics (formerly Invitae), Labcorp
Classification: Uncertain significance. Last evaluated: 2024-06-04. Review status: criteria provided, single submitter. Criteria: Invitae Variant Classification Sherloc (09022015). Collection method: clinical testing. Allele origin: germline.
Comment: This sequence change replaces valine, which is neutral and non-polar, with methionine, which is neutral and non-polar, at codon 495 of the CNGA3 protein (p.Val495Met). This variant is present in population databases (rs778681224, gnomAD 0.003%). This variant has not been reported in the literature in individuals affected with CNGA3-related conditions. Advanced modeling of protein sequence and biophysical properties (such as structural, functional, and spatial information, amino acid conservation, physicochemical variation, residue mobility, and thermodynamic stability) performed at Invitae indicates that this missense variant is expected to disrupt CNGA3 protein function with a positive predictive value of 95%. In summary, the available evidence is currently insufficient to determine the role of this variant in disease. Therefore, it has been classified as a Variant of Uncertain Significance.

Blueprint Genetics
Classification: Uncertain significance. Last evaluated: 2020-02-04. Review status: criteria provided, single submitter. Criteria: ACMG Guidelines, 2015. Collection method: clinical testing. Allele origin: germline.

NM_001298.3(CNGA3):c.1483G>A (p.Val495Met)

Gene: CNGA3 (cyclic nucleotide gated channel subunit alpha 3; plus strand). Cytogenetic location: 2q11.2.
Variant type: single nucleotide variant.
Coding change: c.1483G>A on transcript NM_001298.3 (MANE Select); coding-DNA position 1483, G replaced by A.
Protein change: p.Val495Met; replaces valine 495 with methionine.
Molecular consequence: missense variant.
Genome position (GRCh38, 1-based): chr2:98,396,653, G>A. VCF-style: chr2-98396653-G-A. GRCh37 (hg19) VCF-style: chr2-99013116-G-A.
Other names: c.1429G>A, p.Val477Met (NM_001079878.2); short protein forms V477M, V495M.
Identifiers: ClinVar variation 3680446 (VCV003680446.2).